The following is an entry in ClinVar:

ClinVar aggregate classification (germline): Uncertain significance (1 of 4 stars; one submission).

Submission:

GeneDx
Classification: Uncertain significance. Last evaluated: 2024-11-21. Review status: criteria provided, single submitter. Criteria: GeneDx Variant Classification Process June 2021. Collection method: clinical testing. Allele origin: germline. Affected: yes.
Comment: Not observed at significant frequency in large population cohorts (gnomAD); In silico analysis supports that this missense variant has a deleterious effect on protein structure/function; Has not been previously published as pathogenic or benign to our knowledge

NM_020436.5(SALL4):c.1739C>T (p.Ser580Phe)

Gene: SALL4 (spalt like transcription factor 4; minus strand). Cytogenetic location: 20q13.2.
Variant type: single nucleotide variant.
Coding change: c.1739C>T on transcript NM_020436.5 (MANE Select); coding-DNA position 1739, C replaced by T.
Protein change: p.Ser580Phe; replaces serine 580 with phenylalanine.
Molecular consequence: missense variant. On other transcripts: intron variant (1).
Genome position (GRCh38, 1-based): chr20:51,790,744, G>A on the plus strand (C>T on the coding strand, the complement: SALL4 is on the minus strand). VCF-style: chr20-51790744-G-A. GRCh37 (hg19) VCF-style: chr20-50407283-G-A.
Other names: c.1150+589C>T (NM_001318031.2); short protein forms S580F.
Identifiers: ClinVar variation 3900438 (VCV003900438.1).